The following is an entry in ClinVar:

NM_024408.4(NOTCH2):c.7400T>C (p.Met2467Thr)

Gene: NOTCH2 (notch receptor 2; minus strand). Cytogenetic location: 1p12.
Variant type: single nucleotide variant.
Coding change: c.7400T>C on transcript NM_024408.4 (MANE Select); coding-DNA position 7400, T replaced by C.
Protein change: p.Met2467Thr; replaces methionine 2467 with threonine.
Molecular consequence: missense variant.
Genome position (GRCh38, 1-based): chr1:119,915,322, A>G on the plus strand (T>C on the coding strand, the complement: NOTCH2 is on the minus strand). VCF-style: chr1-119915322-A-G. GRCh37 (hg19) VCF-style: chr1-120457945-A-G.
Other names: short protein forms M2467T.
Identifiers: ClinVar variation 3371413 (VCV003371413.1).

ClinVar aggregate classification (germline): Uncertain significance (1 of 4 stars; one submission).

gnomAD v4.1: 4 of 1,613,476 alleles (0.00025%); highest among the groups gnomAD compares: South Asian, 0.0044%; no homozygotes.

Submission:

GeneDx
Classification: Uncertain significance. Last evaluated: 2024-03-27. Review status: criteria provided, single submitter. Criteria: GeneDx Variant Classification Process June 2021. Collection method: clinical testing. Allele origin: germline. Affected: yes.
Comment: Not observed at significant frequency in large population cohorts (gnomAD); In silico analysis supports that this missense variant does not alter protein structure/function; Has not been previously published as pathogenic or benign to our knowledge